The following is an entry in ClinVar:

ClinVar aggregate classification (germline): Uncertain significance (1 of 4 stars; one submission).

Submission:

GeneDx
Classification: Uncertain significance. Last evaluated: 2024-03-11. Review status: criteria provided, single submitter. Criteria: GeneDx Variant Classification Process June 2021. Collection method: clinical testing. Allele origin: germline. Affected: yes.
Comment: Not observed at significant frequency in large population cohorts (gnomAD); In silico analysis supports that this variant does not alter splicing; Has not been previously published as pathogenic or benign to our knowledge

NM_000091.5(COL4A3):c.3336A>G (p.Pro1112=)

Genes: COL4A3 (collagen type IV alpha 3 chain; plus strand), MFF-DT (MFF divergent transcript; minus strand). Cytogenetic location: 2q36.3.
Variant type: single nucleotide variant.
Coding change: c.3336A>G on transcript NM_000091.5 (MANE Select); coding-DNA position 3336, A replaced by G.
Protein change: p.Pro1112=; no amino-acid change (proline 1112 retained).
Molecular consequence: synonymous variant.
Genome position (GRCh38, 1-based): chr2:227,293,316, A>G. VCF-style: chr2-227293316-A-G. GRCh37 (hg19) VCF-style: chr2-228158032-A-G.
Identifiers: ClinVar variation 3370609 (VCV003370609.1).